The following is an entry in ClinVar:

ClinVar aggregate classification (germline): Uncertain significance (1 of 4 stars; one submission).

Allele frequency attached by ClinVar (database versions not stated): gnomAD 0.00001; gnomAD exomes 0.00001; TOPMed 0.00002; ExAC 0.00003; ESP Exome Variant Server 0.00008.
gnomAD v4.1: 11 of 1,613,460 alleles (0.00068%); highest among the groups gnomAD compares: Non-Finnish European, 0.00076%; no homozygotes.

Submission:

Labcorp Genetics (formerly Invitae), Labcorp
Classification: Uncertain significance. Last evaluated: 2022-05-05. Review status: criteria provided, single submitter. Criteria: Invitae Variant Classification Sherloc (09022015). Collection method: clinical testing. Allele origin: germline.
Comment: This sequence change affects codon 205 of the ERCC2 mRNA. It is a 'silent' change, meaning that it does not change the encoded amino acid sequence of the ERCC2 protein. This variant is present in population databases (rs368913401, gnomAD 0.003%). This variant has not been reported in the literature in individuals affected with ERCC2-related conditions. Algorithms developed to predict the effect of sequence changes on RNA splicing suggest that this variant may create or strengthen a splice site. In summary, the available evidence is currently insufficient to determine the role of this variant in disease. Therefore, it has been classified as a Variant of Uncertain Significance.

NM_000400.4(ERCC2):c.615G>C (p.Val205=)

Gene: ERCC2 (ERCC excision repair 2, TFIIH core complex helicase subunit; minus strand). Cytogenetic location: 19q13.32.
Variant type: single nucleotide variant.
Coding change: c.615G>C on transcript NM_000400.4 (MANE Select); coding-DNA position 615, G replaced by C.
Protein change: p.Val205=; no amino-acid change (valine 205 retained).
Molecular consequence: synonymous variant.
Genome position (GRCh38, 1-based): chr19:45,364,527, C>G on the plus strand (G>C on the coding strand, the complement: ERCC2 is on the minus strand). VCF-style: chr19-45364527-C-G. GRCh37 (hg19) VCF-style: chr19-45867785-C-G.
Other names: c.543G>C, p.Val181= (NM_001130867.2).
Identifiers: ClinVar variation 2175931 (VCV002175931.1), dbSNP rs368913401, ClinGen allele CA9513698.
Genomic context (GRCh38, chr19:45,364,527, plus strand): 5'-CAGTTCCTTGGACACCAGGTCTGCAATCTTGGGGTCCAGGAGGTAGTGGTAGCTATAAAC[C>G]ACCACATTGGCATGCAGGATCTGGGGGGCCGGGGAGCAGGGTTACCAGGGCCCTGCCACC-3'
Protein context (NP_000391.1, residues 195-215): ARYSILHANV[Val205=]VYSYHYLLDP